The following is an entry in ClinVar:

ClinVar aggregate classification (germline): Uncertain significance (1 of 4 stars; one submission).

Submission:

ISCA site 15
Classification: Uncertain significance. Last evaluated: 2011-08-12. Review status: criteria provided, single submitter. Criteria: Kaminsky et al. (Genet Med. 2011). Collection method: clinical testing. Allele origin: paternal. Affected: yes. Observed: 1 variant allele.
Comment: Copy number variation identified through the course of routine clinical cytogenomic testing in postnatal populations. Clinical assertions have been curated as described in Kaminsky et al. 2011.

GRCh38/hg38 5q15(chr5:93405010-97716265)x3

Genes: MCTP1 (multiple C2 and transmembrane domain containing 1; minus strand), MCTP1-AS1 (MCTP1 antisense RNA 1; plus strand), MIR2277 (microRNA 2277; minus strand), MIR583 (microRNA 583; plus strand), NR2F1 (nuclear receptor subfamily 2 group F member 1; plus strand) and 117 more. Cytogenetic location: 5q15.
Variant type: copy number gain.
Change: copy number 3 (three copies instead of two) of chr5:93,405,010-97,716,265 (4.31 Mb, GRCh38 coordinates, 1-based), cytogenetic band 5q15.
Identifiers: ClinVar variation 59443 (VCV000059443.1).